The following is an entry in ClinVar:

ClinVar aggregate classification (germline): Pathogenic (1 of 4 stars; one submission).

Conditions:
Joubert syndrome. Also called: CEREBELLOPARENCHYMAL DISORDER IV; JOUBERT-BOLTSHAUSER SYNDROME; Familial aplasia of the vermis. Identifiers: Orphanet 475, MedGen C5979921, MONDO:0018772.
Nephronophthisis. Also called: Juvenile Nephronophthisis. Identifiers: Orphanet 655, MedGen C0687120, MONDO:0019005, HP:0000090.
Meckel-Gruber syndrome. Also called: DYSENCEPHALIA SPLANCHNOCYSTICA; GRUBER SYNDROME; Dysencephalia splachnocystica. Identifiers: Orphanet 564, MedGen C0265215, MONDO:0018921.

Submission:

Labcorp Genetics (formerly Invitae), Labcorp
Classification: Pathogenic for Joubert syndrome; Meckel-Gruber syndrome; Nephronophthisis. Last evaluated: 2023-08-03. Review status: criteria provided, single submitter. Criteria: Invitae Variant Classification Sherloc (09022015). Collection method: clinical testing. Allele origin: germline.
Comment: For these reasons, this variant has been classified as Pathogenic. This variant has not been reported in the literature in individuals affected with CEP290-related conditions. This variant is not present in population databases (gnomAD no frequency). This sequence change creates a premature translational stop signal (p.Leu1522Alafs*57) in the CEP290 gene. It is expected to result in an absent or disrupted protein product. Loss-of-function variants in CEP290 are known to be pathogenic (PMID: 16909394, 17345604, 20690115).

Literature cited by the submitters: PubMed 16909394; PubMed 17345604; PubMed 20690115.

NM_025114.4(CEP290):c.4562dup (p.Leu1522fs)

Gene: CEP290 (centrosomal protein 290; minus strand). Cytogenetic location: 12q21.32.
Variant type: Duplication.
Coding change: c.4562dup on transcript NM_025114.4 (MANE Select); coding-DNA position 4562, one base duplicated (A; older notation c.4562dupA).
Protein change: p.Leu1522fs; shifts the reading frame from leucine 1522.
Molecular consequence: frameshift variant.
Genome position (GRCh38, 1-based): chr12:88,084,728, T duplicated on the plus strand (A on the coding strand, the reverse complement: CEP290 is on the minus strand). VCF-style (leftmost placement, unchanged base first): chr12-88084727-C-CT. GRCh37 (hg19) VCF-style: chr12-88478504-C-CT.
Other names: short protein forms L1522fs.
Identifiers: ClinVar variation 2929928 (VCV002929928.3), dbSNP rs2499988736, ClinGen allele CA2740092473.